The following is an entry in ClinVar:

NM_139057.4(ADAMTS17):c.331G>A (p.Glu111Lys)

Gene: ADAMTS17 (ADAM metallopeptidase with thrombospondin type 1 motif 17; minus strand). Cytogenetic location: 15q26.3.
Variant type: single nucleotide variant.
Coding change: c.331G>A on transcript NM_139057.4 (MANE Select); coding-DNA position 331, G replaced by A.
Protein change: p.Glu111Lys; replaces glutamic acid 111 with lysine.
Molecular consequence: missense variant.
Genome position (GRCh38, 1-based): chr15:100,341,158, C>T on the plus strand (G>A on the coding strand, the complement: ADAMTS17 is on the minus strand). VCF-style: chr15-100341158-C-T. GRCh37 (hg19) VCF-style: chr15-100881363-C-T.
Other names: c.331G>A (NM_139057.2); short protein forms E111K.
Identifiers: ClinVar variation 1424861 (VCV001424861.5), dbSNP rs2046353493, ClinGen allele CA394525001.

ClinVar aggregate classification (germline): Uncertain significance. Review status: criteria provided, multiple submitters, no conflicts (2 of 4 stars). 2 submissions from 2 submitters: Uncertain significance (2). Last evaluated 2025-05-06.

Conditions:
Inborn genetic diseases. Identifiers: MedGen C0950123, MeSH D030342.

Allele frequency attached by ClinVar (database versions not stated): gnomAD exomes below 0.00001; gnomAD 0.00001.
gnomAD v4.1: 7 of 1,462,386 alleles (0.00048%); highest among the groups gnomAD compares: Admixed American, 0.0048%; no homozygotes.

Submissions (2):

Ambry Genetics
Classification: Uncertain significance for Inborn genetic diseases. Last evaluated: 2025-05-06. Review status: criteria provided, single submitter. Criteria: Ambry Variant Classification Scheme 2023. Collection method: clinical testing. Allele origin: germline.

Labcorp Genetics (formerly Invitae), Labcorp
Classification: Uncertain significance. Last evaluated: 2022-07-11. Review status: criteria provided, single submitter. Criteria: Invitae Variant Classification Sherloc (09022015). Collection method: clinical testing. Allele origin: germline.
Comment: In summary, the available evidence is currently insufficient to determine the role of this variant in disease. Therefore, it has been classified as a Variant of Uncertain Significance. Algorithms developed to predict the effect of missense changes on protein structure and function are either unavailable or do not agree on the potential impact of this missense change (SIFT: "Not Available"; PolyPhen-2: "Probably Damaging"; Align-GVGD: "Not Available"). ClinVar contains an entry for this variant (Variation ID: 1424861). This variant has not been reported in the literature in individuals affected with ADAMTS17-related conditions. This variant is not present in population databases (gnomAD no frequency). This sequence change replaces glutamic acid with lysine at codon 111 of the ADAMTS17 protein (p.Glu111Lys). The glutamic acid residue is weakly conserved and there is a small physicochemical difference between glutamic acid and lysine.